The following is an entry in ClinVar:

ClinVar aggregate classification (germline): Uncertain significance (1 of 4 stars; one submission).

Conditions:
Hereditary cancer-predisposing syndrome. Also called: Hereditary neoplastic syndrome; Neoplastic Syndromes, Hereditary; Tumor predisposition; Hereditary Cancer Syndrome. Identifiers: Orphanet 140162, MedGen C0027672, MeSH D009386, MONDO:0015356.

Submission:

Ambry Genetics
Classification: Uncertain significance for Hereditary cancer-predisposing syndrome. Last evaluated: 2025-03-12. Review status: criteria provided, single submitter. Criteria: Ambry Variant Classification Scheme 2023. Collection method: clinical testing. Allele origin: germline.
Comment: The c.460_463delCACAinsTTTGTGT variant (also known as p.H154_T155delinsFVS), located in coding exon 3 of the FLCN gene, results from an in-frame deletion of CACA and insertion of TTTGTGT at nucleotide positions 460 to 463. This results in the substitution of H and T residues for F, V, and S residues at codon 154 and 155. This amino acid region is highly conserved in available vertebrate species. Since supporting evidence is limited at this time, the clinical significance of this alteration remains unclear.

NM_144997.7(FLCN):c.460_463delinsTTTGTGT (p.His154_Thr155delinsPheValSer)

Gene: FLCN (folliculin; minus strand). Cytogenetic location: 17p11.2.
Variant type: Indel.
Coding change: c.460_463delinsTTTGTGT on transcript NM_144997.7 (MANE Select); coding-DNA positions 460 to 463, CACA replaced by TTTGTGT.
Protein change: p.His154_Thr155delinsPheValSer.
Molecular consequence: inframe indel.
Genome position (GRCh38, 1-based): chr17:17,224,077-17,224,080, TGTG replaced by ACACAAA on the plus strand (CACA replaced by TTTGTGT on the coding strand, the reverse complement: FLCN is on the minus strand). VCF-style: chr17-17224077-TGTG-ACACAAA. GRCh37 (hg19) VCF-style: chr17-17127391-TGTG-ACACAAA.
Other names: c.514_517delinsTTTGTGT, p.His172_Thr173delinsPheValSer (NM_001353229.2); c.460_463delinsTTTGTGT, p.His154_Thr155delinsPheValSer (NM_001353230.2, NM_001353231.2, NM_144606.7).
Identifiers: ClinVar variation 3850589 (VCV003850589.1).